The following is an entry in ClinVar:

ClinVar aggregate classification (germline): Uncertain significance (1 of 4 stars; one submission).

Allele frequency attached by ClinVar (database versions not stated): ExAC 0.00001.
gnomAD v4.1: 3 of 1,614,156 alleles (0.00019%); highest among the groups gnomAD compares: Non-Finnish European, 0.00025%; no homozygotes.

Submission:

GeneDx
Classification: Uncertain significance. Last evaluated: 2018-05-18. Review status: criteria provided, single submitter. Criteria: GeneDx Variant Classification (06012015). Collection method: clinical testing. Allele origin: germline. Affected: yes.
Comment: The P56H variant in the CHST3 gene has not been reported previously as a pathogenic variant, nor as a benign variant, to our knowledge. The P56H variant is not observed at a significant frequency in large population cohorts (Lek et al., 2016). The P56H variant is a non-conservative amino acid substitution, which is likely to impact secondary protein structure as these residues differ in polarity, charge, size and/or other properties. In-silico analyses, including protein predictors and evolutionary conservation, support that this variant does not alter protein structure/function. We interpret P56H as a variant of uncertain significance.

NM_004273.5(CHST3):c.167C>A (p.Pro56His)

Gene: CHST3 (carbohydrate sulfotransferase 3; plus strand). Cytogenetic location: 10q22.1.
Variant type: single nucleotide variant.
Coding change: c.167C>A on transcript NM_004273.5 (MANE Select); coding-DNA position 167, C replaced by A.
Protein change: p.Pro56His; replaces proline 56 with histidine.
Molecular consequence: missense variant.
Genome position (GRCh38, 1-based): chr10:72,007,198, C>A. VCF-style: chr10-72007198-C-A. GRCh37 (hg19) VCF-style: chr10-73766956-C-A.
Other names: short protein forms P56H.
Identifiers: ClinVar variation 546274 (VCV000546274.2), dbSNP rs749513659, ClinGen allele CA5548035.